The following is an entry in ClinVar:

NM_001032283.3(TMPO):c.565+2340C>T

Gene: TMPO (thymopoietin; plus strand). Cytogenetic location: 12q23.1.
Variant type: single nucleotide variant.
Coding change: c.565+2340C>T on transcript NM_001032283.3 (MANE Select); 2340 bases into the intron after coding-DNA position 565, C replaced by T.
Molecular consequence: intron variant. On other transcripts: missense variant (1).
Genome position (GRCh38, 1-based): chr12:98,534,178, C>T. VCF-style: chr12-98534178-C-T. GRCh37 (hg19) VCF-style: chr12-98927956-C-T.
Other names: c.1921C>T, p.His641Tyr (NM_003276.2); c.565+2340C>T (NM_001307975.2, NM_001032284.3); short protein forms H641Y.
Identifiers: ClinVar variation 1721596 (VCV001721596.6), dbSNP rs1877418406, ClinGen allele CA386154220.

ClinVar aggregate classification (germline): Uncertain significance (1 of 4 stars; one submission).

Conditions:
Loeys-Dietz syndrome 2 (LDS2). Also called: TGFBR2-Related Loeys-Dietz Syndrome; MFS 2; Marfan syndrome, type 2 (formerly); AORTIC ANEURYSM, FAMILIAL THORACIC 3; MARFAN SYNDROME, TYPE II; Marfan Syndrome type 2. Identifiers: Orphanet 284973, Orphanet 558, MedGen C2674574, MONDO:0012427, OMIM 610168.

Allele frequency attached by ClinVar (database versions not stated): gnomAD exomes below 0.00001.
gnomAD v4.1: 2 of 1,613,920 alleles (0.00012%); highest among the groups gnomAD compares: South Asian, 0.0022%; no homozygotes.

Submission:

Labcorp Genetics (formerly Invitae), Labcorp
Classification: Uncertain significance for Loeys-Dietz syndrome 2. Last evaluated: 2022-10-14. Review status: criteria provided, single submitter. Criteria: Invitae Variant Classification Sherloc (09022015). Collection method: clinical testing. Allele origin: germline.
Comment: In summary, the available evidence is currently insufficient to determine the role of this variant in disease. Therefore, it has been classified as a Variant of Uncertain Significance. Advanced modeling of protein sequence and biophysical properties (such as structural, functional, and spatial information, amino acid conservation, physicochemical variation, residue mobility, and thermodynamic stability) performed at Invitae indicates that this missense variant is not expected to disrupt TMPO protein function. This variant has not been reported in the literature in individuals affected with TMPO-related conditions. This variant is not present in population databases (gnomAD no frequency). This sequence change replaces histidine, which is basic and polar, with tyrosine, which is neutral and polar, at codon 641 of the TMPO protein (p.His641Tyr).